The following is an entry in ClinVar:

NM_014915.3(ANKRD26):c.333C>T (p.Asn111=)

Gene: ANKRD26 (ankyrin repeat domain 26; minus strand). Cytogenetic location: 10p12.1.
Variant type: single nucleotide variant.
Coding change: c.333C>T on transcript NM_014915.3 (MANE Select); coding-DNA position 333, C replaced by T.
Protein change: p.Asn111=; no amino-acid change (asparagine 111 retained).
Molecular consequence: synonymous variant.
Genome position (GRCh38, 1-based): chr10:27,093,709, G>A on the plus strand (C>T on the coding strand, the complement: ANKRD26 is on the minus strand). VCF-style: chr10-27093709-G-A. GRCh37 (hg19) VCF-style: chr10-27382638-G-A.
Other names: c.333C>T, p.Asn111= (NM_001256053.2).
Identifiers: ClinVar variation 2712701 (VCV002712701.7), dbSNP rs751249783, ClinGen allele CA5448980.

ClinVar aggregate classification (germline): Likely benign. Review status: criteria provided, multiple submitters, no conflicts (2 of 4 stars). 4 submissions from 4 submitters: Likely benign (3). 1 of the submissions does not count toward it. Last evaluated 2025-11-08.

Conditions:
ANKRD26-related disorder. Also called: ANKRD26-related condition.
Inborn genetic diseases. Identifiers: MedGen C0950123, MeSH D030342.

Allele frequency attached by ClinVar (database versions not stated): gnomAD 0.00005; TOPMed 0.00008; 1000 Genomes Project 30x 0.00016.
gnomAD v4.1: 52 of 1,614,138 alleles (0.0032%); highest among the groups gnomAD compares: Middle Eastern, 0.033%; no homozygotes.

Submissions (4):

Labcorp Genetics (formerly Invitae), Labcorp
Classification: Likely benign. Last evaluated: 2025-11-08. Review status: criteria provided, single submitter. Criteria: Invitae Variant Classification Sherloc (09022015). Collection method: clinical testing. Allele origin: germline.

Ambry Genetics
Classification: Likely benign for Inborn genetic diseases. Last evaluated: 2024-11-23. Review status: criteria provided, single submitter. Criteria: Ambry Variant Classification Scheme 2023. Collection method: clinical testing. Allele origin: germline.

Blueprint Genetics
Classification: Likely benign. Last evaluated: 2024-10-03. Review status: criteria provided, single submitter. Criteria: ACMG Guidelines, 2015. Collection method: clinical testing. Allele origin: germline.

PreventionGenetics, part of Exact Sciences
Classification: Likely benign for ANKRD26-related condition. Last evaluated: 2021-01-21. Review status: no assertion criteria provided. Collection method: clinical testing. Allele origin: germline. Not counted in ClinVar's aggregate classification.
Comment: This variant is classified as likely benign based on ACMG/AMP sequence variant interpretation guidelines (Richards et al. 2015 PMID: 25741868, with internal and published modifications).